The following is an entry in ClinVar:

NM_000451.4(SHOX):c.242A>T (p.Lys81Ile)

Gene: SHOX (SHOX homeobox; plus strand). Cytogenetic location: Xp22.33.
Variant type: single nucleotide variant.
Coding change: c.242A>T on transcript NM_000451.4 (MANE Select); coding-DNA position 242, A replaced by T.
Protein change: p.Lys81Ile; replaces lysine 81 with isoleucine.
Molecular consequence: missense variant.
Genome position (GRCh38, 1-based): chrX:631,139, A>T. VCF-style: chrX-631139-A-T. GRCh37 (hg19) VCF-style: chrX-591874-A-T.
Other names: c.242A>T, p.Lys81Ile (NM_006883.2); short protein forms K81I.
Identifiers: ClinVar variation 3772499 (VCV003772499.13).

ClinVar aggregate classification (germline): Uncertain significance (1 of 4 stars; one submission).

Submission:

CeGaT Center for Human Genetics Tuebingen
Classification: Uncertain significance. Last evaluated: 2025-02-01. Review status: criteria provided, single submitter. Criteria: CeGaT Center For Human Genetics Tuebingen Variant Classification Criteria Version 2. Collection method: clinical testing. Allele origin: germline. Affected: yes. Observed: 1 variant allele.
Comment: SHOX: PM2, PP3